The following is an entry in ClinVar:

ClinVar aggregate classification (germline): Uncertain significance (1 of 4 stars; one submission).

Conditions:
Early-infantile DEE. Also called: Early infantile epileptic encephalopathy; Early infantile epileptic encephalopathy with suppression bursts; Ohtahara syndrome. Identifiers: Orphanet 1934, MedGen C0393706, MONDO:0800491.

Allele frequency attached by ClinVar (database versions not stated): TOPMed 0.00001; ExAC 0.00001.
gnomAD v4.1: 11 of 1,613,510 alleles (0.00068%); highest among the groups gnomAD compares: Admixed American, 0.005%; no homozygotes.

Submission:

Labcorp Genetics (formerly Invitae), Labcorp
Classification: Uncertain significance for Early-infantile DEE. Last evaluated: 2023-07-13. Review status: criteria provided, single submitter. Criteria: Invitae Variant Classification Sherloc (09022015). Collection method: clinical testing. Allele origin: germline.
Comment: This sequence change replaces arginine, which is basic and polar, with cysteine, which is neutral and slightly polar, at codon 656 of the ARHGEF15 protein (p.Arg656Cys). In summary, the available evidence is currently insufficient to determine the role of this variant in disease. Therefore, it has been classified as a Variant of Uncertain Significance. An algorithm developed to predict the effect of missense changes on protein structure and function (PolyPhen-2) suggests that this variant is likely to be disruptive. This variant has not been reported in the literature in individuals affected with ARHGEF15-related conditions. This variant is present in population databases (rs756290079, gnomAD 0.009%).

NM_173728.4(ARHGEF15):c.1966C>T (p.Arg656Cys)

Gene: ARHGEF15 (Rho guanine nucleotide exchange factor 15; plus strand). Cytogenetic location: 17p13.1.
Variant type: single nucleotide variant.
Coding change: c.1966C>T on transcript NM_173728.4 (MANE Select); coding-DNA position 1966, C replaced by T.
Protein change: p.Arg656Cys; replaces arginine 656 with cysteine.
Molecular consequence: missense variant.
Genome position (GRCh38, 1-based): chr17:8,318,843, C>T. VCF-style: chr17-8318843-C-T. GRCh37 (hg19) VCF-style: chr17-8222161-C-T.
Other names: c.1966C>T, p.Arg656Cys (NM_025014.2); short protein forms R656C.
Identifiers: ClinVar variation 2723532 (VCV002723532.3), dbSNP rs756290079, ClinGen allele CA8375373.